The following is an entry in ClinVar:

NM_018480.7(TMEM126B):c.635G>T (p.Gly212Val)

Gene: TMEM126B (transmembrane protein 126B; plus strand). Cytogenetic location: 11q14.1.
Variant type: single nucleotide variant.
Coding change: c.635G>T on transcript NM_018480.7 (MANE Select); coding-DNA position 635, G replaced by T.
Protein change: p.Gly212Val; replaces glycine 212 with valine.
Molecular consequence: missense variant. On other transcripts: non-coding transcript variant (2).
Genome position (GRCh38, 1-based): chr11:85,636,171, G>T. VCF-style: chr11-85636171-G-T. GRCh37 (hg19) VCF-style: chr11-85347215-G-T.
Other names: c.575G>T, p.Gly192Val (NM_001193537.3); c.545G>T, p.Gly182Val (NM_001193538.3, NM_001256546.2); c.497G>T, p.Gly166Val (NM_001256547.2); c.410G>T, p.Gly137Val (NM_001350393.1); short protein forms G212V, G137V, G192V, G166V, G182V.
Identifiers: ClinVar variation 236209 (VCV000236209.37), dbSNP rs141542003, ClinGen allele CA6212626.

ClinVar aggregate classification (germline): Pathogenic/Likely pathogenic. Review status: criteria provided, multiple submitters, no conflicts (2 of 4 stars). 15 submissions from 15 submitters: Pathogenic (7); Likely pathogenic (5). 3 of the submissions do not count toward it. Last evaluated 2026-09-04.

Conditions:
Mitochondrial complex I deficiency. Also called: NADH:Q(1) OXIDOREDUCTASE DEFICIENCY. Identifiers: Orphanet 2609, MedGen C1838979, MeSH C537475, MONDO:0100133.
Mitochondrial complex I deficiency, nuclear type 29. Also called: Mitochondrial complex 1 deficiency, nuclear type 29. Identifiers: MedGen C4748830, MONDO:0032633, OMIM 618250.
TMEM126B-related disorder. Also called: TMEM126B-related condition.
Mitochondrial disease. Also called: Mitochondrial disorders; Mitochondrial disorder. Identifiers: Orphanet 68380, MedGen C0751651, MeSH D028361, MONDO:0044970.

Allele frequency attached by ClinVar (database versions not stated): gnomAD exomes 0.00151 and 0.00107; TOPMed 0.00076; gnomAD 0.00099 and 0.00103; ESP Exome Variant Server 0.00123; ExAC 0.00131.

Submissions 1 to 14 of 15:

PreventionGenetics, part of Exact Sciences
Classification: Likely pathogenic for TMEM126B-related condition. Last evaluated: 2026-09-04. Review status: criteria provided, single submitter. Criteria: ACMG Guidelines, 2015. Collection method: clinical testing. Allele origin: germline.
Comment: The TMEM126B c.635G>T variant is predicted to result in the amino acid substitution p.Gly212Val. This variant has been reported in the homozygous and compound heterozygous state to be causative for mitochondrial complex I deficiency (Alston et al. 2016. PubMed ID: 27374774; Pronicka et al. 2016. PubMed ID: 27290639; Sanchez-Caballero et al. 2016. PubMed ID: 27374773; Stranneheim et al. 2021. PubMed ID: 33726816; Theunissen et al. 2017. PubMed ID: 29093663; Theunissen et al. 2018. PubMed ID: 30369941). This variant is reported in 0.19% of alleles in individuals of European (Non-Finnish) descent in gnomAD v2. In gnomAD v4 (available only on GRCh38), this variant is reported in 0.18% of alleles in individuals of European (Non-Finnish) descent, including 2 homozygotes. This variant is interpreted as likely pathogenic.

GeneDx
Classification: Pathogenic. Last evaluated: 2026-08-15. Review status: criteria provided, single submitter. Criteria: GeneDx Variant Classification Process June 2021. Collection method: clinical testing. Allele origin: germline.
Comment: In silico analysis supports that this missense variant has a deleterious effect on protein structure/function; This variant is associated with the following publications: (PMID: 31658717, 27290639, 29093663, 27374773, 27374774, 30369941, 33726816, 37734845, 35772644, 41278337, 40970474)

Labcorp Genetics (formerly Invitae), Labcorp
Classification: Pathogenic. Last evaluated: 2026-01-04. Review status: criteria provided, single submitter. Criteria: Invitae Variant Classification Sherloc (09022015). Collection method: clinical testing. Allele origin: germline.
Comment: This sequence change replaces glycine, which is neutral and non-polar, with valine, which is neutral and non-polar, at codon 212 of the TMEM126B protein (p.Gly212Val). This variant is present in population databases (rs141542003, gnomAD 0.2%), and has an allele count higher than expected for a pathogenic variant. This missense change has been observed in individual(s) with complex I deficiency (PMID: 27374773, 27374774, 29093663). It has also been observed to segregate with disease in related individuals. ClinVar contains an entry for this variant (Variation ID: 236209). An algorithm developed to predict the effect of missense changes on protein structure and function (PolyPhen-2) suggests that this variant is likely to be disruptive. For these reasons, this variant has been classified as Pathogenic.

First Genomix Gene Laboratory, Genetic Diagnostics Department
Classification: Pathogenic for Mitochondrial complex I deficiency, nuclear type 29. Last evaluated: 2025-09-15. Review status: criteria provided, single submitter. Criteria: ACMG Guidelines, 2015. Collection method: clinical testing. Allele origin: germline. Inheritance: Autosomal recessive inheritance. Affected: no. Observed: 1 variant allele.

Dasa
Classification: Pathogenic. Last evaluated: 2025-02-02. Review status: criteria provided, single submitter. Criteria: DASA Assertion Criteria. Collection method: clinical testing. Allele origin: germline.
Comment: NM_018480.7(TMEM126B):c.635G>T (p.Gly212Val) is a missense variant that results in the substitution of glycine with valine. Segregation evidence has been reported in affected families. This variant has been observed in affected individuals with related phenotype in a genotype context consistent with recessive disease (PMID: 27374773; PMID: 27374774; PMID: 29093663; PMID: 31658717). Functional evidence supports a deleterious effect on the gene or gene product (PMID: 27374773; PMID: 27374774; PMID: 29093663; PMID: 31658717). This variant has been recurrently observed in individuals with related phenotype (PMID: 27374773; PMID: 27374774; PMID: 29093663; PMID: 31658717). The variant is present at low frequency in population datasets. Based on the available data, this variant is classified as pathogenic.

Genomic Research Center, Shahid Beheshti University of Medical Sciences
Classification: Pathogenic for Mitochondrial complex I deficiency, nuclear type 29. Last evaluated: 2024-12-03. Review status: criteria provided, single submitter. Criteria: ACMG Guidelines, 2015. Collection method: clinical testing. Allele origin: inherited. Affected: yes.

Blueprint Genetics
Classification: Likely pathogenic for TMEM126B-related disorders. Last evaluated: 2024-11-08. Review status: criteria provided, single submitter. Criteria: ACMG Guidelines, 2015. Collection method: clinical testing. Allele origin: germline. Affected: yes. Observed: 5 variant alleles.

Revvity Omics, Revvity
Classification: Likely pathogenic for Mitochondrial complex I deficiency, nuclear type 29. Last evaluated: 2023-08-23. Review status: criteria provided, single submitter. Criteria: ACMG Guidelines, 2015. Collection method: clinical testing. Allele origin: germline.

Laboratory for Molecular Medicine, Mass General Brigham Personalized Medicine
Classification: Pathogenic for Mitochondrial complex I deficiency. Last evaluated: 2023-07-28. Review status: criteria provided, single submitter. Criteria: ACMG Guidelines, 2015. Collection method: clinical testing. Allele origin: germline. Inheritance: Autosomal recessive inheritance.
Comment: The p.Gly212Val variant in TMEM126B has been reported in 3 homozygous and 6 compound heterozygous individuals with Mitochondrial complex I deficiency and segregated with disease in at least 2 affected family members from 2 families (Bird 2019 PMID: 31658717, Theunissen 2017 PMID: 29093663, Sanchez-Caballero 2016 PMID: 27374773, Alston 2016 PMID: 27374774). This variant has also been identified in 0.18% (121/68028) European chromosomes by gnomAD v3.1.2. It has also been reported in ClinVar (Variation ID 236209). Computational prediction tools and conservation analyses do not provide strong support for or against an impact to the protein. In vitro and in vivo functional studies, including using patient fibroblasts, support an impact on protein function (Sanchez-Caballero 2016 PMID: 27374773, Alston 2016 PMID: 27374774, Theunissen 2017 PMID: 29093663). In summary, this variant meets criteria to be classified as pathogenic for autosomal recessive Mitochondrial complex I deficiency. ACMG/AMP criteria applied: PM3_Very_Strong, PS3_Moderate, PP1

Women's Health and Genetics/Laboratory Corporation of America, LabCorp
Classification: Pathogenic for Mitochondrial complex I deficiency, nuclear type 29. Last evaluated: 2022-12-20. Review status: criteria provided, single submitter. Criteria: LabCorp Variant Classification Summary - May 2015. Collection method: clinical testing. Allele origin: germline.
Comment: Variant summary: TMEM126B c.635G>T (p.Gly212Val) results in a non-conservative amino acid change in the encoded protein sequence. Four of five in-silico tools predict a damaging effect of the variant on protein function. The variant allele was found at a frequency of 0.0011 in 243948 control chromosomes. This frequency does not allow conclusions about variant significance. c.635G>T has been reported in the literature as biallelic homozygous or compound heterozygous genotype in multiple individuals affected with Mitochondrial Complex 1 Deficiency, Nuclear Type 29 (example, Sanchez-Caballero_2016, Alston_2016). These data indicate that the variant is very likely to be associated with disease. At least one publication reports experimental evidence evaluating an impact on protein function (example, Alston_2016). The most pronounced variant effect results in 17% of normal complex I activity in a homozygous individual. Eight clinical diagnostic laboratories have submitted clinical-significance assessments for this variant to ClinVar after 2014 without evidence for independent evaluation (P/LP, n=1; VUS, n=1). Based on the evidence outlined above, the variant was classified as pathogenic.

Centre for Mendelian Genomics, University Medical Centre Ljubljana
Classification: Likely pathogenic for Mitochondrial complex I deficiency, nuclear type 29. Last evaluated: 2019-06-26. Review status: criteria provided, single submitter. Criteria: ACMG Guidelines, 2015. Collection method: clinical testing. Allele origin: unknown. Affected: yes.
Comment: This variant was classified as: Likely pathogenic. The following ACMG criteria were applied in classifying this variant: PS1,PP1,PP3.

Clinical Genetics and Genomics, Karolinska University Hospital
Classification: Likely pathogenic. Last evaluated: 2018-09-11. Review status: criteria provided, single submitter. Criteria: ACMG Guidelines, 2015. Collection method: clinical testing. Allele origin: germline. Affected: yes. Observed: 1 variant allele.

OMIM
Classification: Pathogenic for MITOCHONDRIAL COMPLEX I DEFICIENCY, NUCLEAR TYPE 29. Last evaluated: 2018-12-13. Review status: no assertion criteria provided. Collection method: literature only. Allele origin: germline. Not counted in ClinVar's aggregate classification.

Mitochondrial Research Group, Newcastle University
Classification: Pathogenic for Mitochondrial disease. Last evaluated: 2016-05-18. Review status: no assertion criteria provided. Collection method: clinical testing. Allele origin: germline. Affected: yes. Observed: 6 variant alleles. Not counted in ClinVar's aggregate classification.